The following is an entry in ClinVar:

ClinVar aggregate classification (germline): Uncertain significance. Review status: criteria provided, multiple submitters, no conflicts (2 of 4 stars). 4 submissions from 4 submitters: Uncertain significance (4). Last evaluated 2025-07-24.

Conditions:
Hereditary cancer-predisposing syndrome. Also called: Tumor predisposition; Hereditary neoplastic syndrome; Neoplastic Syndromes, Hereditary; Hereditary Cancer Syndrome. Identifiers: Orphanet 140162, MedGen C0027672, MeSH D009386, MONDO:0015356.
Familial adenomatous polyposis 1 (FAP1). Also called: POLYPOSIS, ADENOMATOUS INTESTINAL; FAMILIAL ADENOMATOUS POLYPOSIS 1, ATTENUATED. Identifiers: MedGen C2713442, MONDO:0021056, OMIM 175100. Disease mechanism: loss of function.
Desmoid disease, hereditary (DESMD). Also called: FIBROMATOSIS, FAMILIAL INFILTRATIVE. Identifiers: Orphanet 873, MedGen C1851124, OMIM 135290. Disease mechanism: loss of function.

Allele frequency attached by ClinVar (database versions not stated): gnomAD exomes below 0.00001.
gnomAD v4.1: 1 of 1,613,770 alleles (0.000062%); highest among the groups gnomAD compares: South Asian, 0.0011%; no homozygotes.

Submissions (4):

Labcorp Genetics (formerly Invitae), Labcorp
Classification: Uncertain significance for Familial adenomatous polyposis 1. Last evaluated: 2025-07-24. Review status: criteria provided, single submitter. Criteria: Invitae Variant Classification Sherloc (09022015). Collection method: clinical testing. Allele origin: germline.
Comment: This sequence change falls in intron 12 of the APC gene. It does not directly change the encoded amino acid sequence of the APC protein. It affects a nucleotide within the consensus splice site. This variant is present in population databases (no rsID available, gnomAD 0.003%). This variant has not been reported in the literature in individuals affected with APC-related conditions. ClinVar contains an entry for this variant (Variation ID: 1986758). Variants that disrupt the consensus splice site are a relatively common cause of aberrant splicing (PMID: 17576681, 9536098). Algorithms developed to predict the effect of sequence changes on RNA splicing suggest that this variant is not likely to affect RNA splicing. In summary, the available evidence is currently insufficient to determine the role of this variant in disease. Therefore, it has been classified as a Variant of Uncertain Significance.

Quest Diagnostics Nichols Institute San Juan Capistrano
Classification: Uncertain significance. Last evaluated: 2025-05-26. Review status: criteria provided, single submitter. Criteria: Quest Diagnostics criteria. Collection method: clinical testing. Allele origin: unknown.
Comment: This test has identified one copy of the c.1548+3A>G variant in the APC gene. To the best of our knowledge, this variant has not been reported in the published literature. The frequency of this variant in the general population (Genome Aggregation Database) is uninformative in the assessment of its pathogenicity. Analysis of this variant using software algorithms for the prediction of the effect of nucleotide changes on splicing yielded predictions that this variant may affect proper APC mRNA splicing. Based on the available information, we are unable to determine the clinical significance of this variant.

Ambry Genetics
Classification: Uncertain significance for Hereditary cancer-predisposing syndrome. Last evaluated: 2023-04-11. Review status: criteria provided, single submitter. Criteria: Ambry Variant Classification Scheme 2023. Collection method: clinical testing. Allele origin: germline.
Comment: The c.1548+3A>G intronic variant results from an A to G substitution 3 nucleotides after coding exon 11 in the APC gene. This nucleotide position is well conserved in available vertebrate species. In silico splice site analysis predicts that this alteration will not have any significant effect on splicing. Direct RNA evidence is insufficient at this time (Ambry internal data). Since supporting evidence is limited at this time, the clinical significance of this alteration remains unclear.

Department of Pathology and Laboratory Medicine, Sinai Health System
Classification: Uncertain significance for Desmoid disease, hereditary. Last evaluated: 2020-09-09. Review status: criteria provided, single submitter. Criteria: ACMG Guidelines, 2015. Collection method: clinical testing. Allele origin: germline. Affected: yes.

Literature cited by the submitters: PubMed 17576681 (cited by Labcorp Genetics (formerly Invitae), Labcorp); PubMed 9536098 (cited by Labcorp Genetics (formerly Invitae), Labcorp).

NM_000038.6(APC):c.1548+3A>G

Gene: APC (APC regulator of Wnt signaling pathway; plus strand). Cytogenetic location: 5q22.2.
Variant type: single nucleotide variant.
Coding change: c.1548+3A>G on transcript NM_000038.6 (MANE Select); 3 bases into the intron after coding-DNA position 1548, A replaced by G.
Molecular consequence: intron variant.
Genome position (GRCh38, 1-based): chr5:112,827,250, A>G. VCF-style: chr5-112827250-A-G. GRCh37 (hg19) VCF-style: chr5-112162947-A-G.
Other names: c.1548+3A>G (NM_000038.5, NM_001354895.2, NM_001127510.3); c.1578+3A>G (NM_001354897.2); c.1275+3A>G (NM_001354902.2); c.1494+3A>G (NM_001127511.3); c.1473+3A>G (NM_001354898.2); c.1170+3A>G (NM_001354904.2); c.699+3A>G (NM_001354906.2); c.1602+3A>G (NM_001354896.2); and 5 more.
Identifiers: ClinVar variation 1986758 (VCV001986758.8), dbSNP rs995524376, ClinGen allele CA124976042.